The following is an entry in ClinVar:

NM_001291746.2(REL):c.1177A>G (p.Thr393Ala)

Gene: REL (REL proto-oncogene, NF-kB subunit; plus strand). Cytogenetic location: 2p16.1.
Variant type: single nucleotide variant.
Coding change: c.1177A>G on transcript NM_001291746.2 (MANE Select); coding-DNA position 1177, A replaced by G.
Protein change: p.Thr393Ala; replaces threonine 393 with alanine.
Molecular consequence: missense variant.
Genome position (GRCh38, 1-based): chr2:60,921,948, A>G. VCF-style: chr2-60921948-A-G. GRCh37 (hg19) VCF-style: chr2-61149083-A-G.
Other names: c.1108A>G, p.Thr370Ala (NM_001438025.1); c.1273A>G, p.Thr425Ala (NM_002908.4); short protein forms T370A, T393A, T425A.
Identifiers: ClinVar variation 4885359 (VCV004885359.2).

ClinVar aggregate classification (germline): Uncertain significance (1 of 4 stars; one submission).

gnomAD v4.1: 3 of 1,614,128 alleles (0.00019%); highest among the groups gnomAD compares: Non-Finnish European, 0.00025%; no homozygotes.

Submission:

Dasa
Classification: Uncertain significance. Last evaluated: 2025-07-31. Review status: criteria provided, single submitter. Criteria: DASA Assertion Criteria. Collection method: clinical testing. Allele origin: germline.
Comment: NM_001291746.2(REL):c.1177A>G (p.Thr393Ala) is a missense variant that results in the substitution of threonine with alanine. This variant is rare in population databases. Computational prediction algorithms are consistent with a benign effect. The currently available literature and clinical evidence are not sufficient to establish a definitive association between this variant and the reported condition. Therefore, this variant is classified as a variant of uncertain significance.